The following is an entry in ClinVar:

ClinVar aggregate classification (germline): Conflicting classifications of pathogenicity. Review status: criteria provided, conflicting classifications (1 of 4 stars). 4 submissions from 3 submitters: Uncertain significance (1); Benign (3). Last evaluated 2026-02-02.

Conditions:
Complement component 2 deficiency (C2D). Also called: C2 deficiency. Identifiers: MedGen C0398756, MONDO:0009006, OMIM 217000.
Age related macular degeneration 14. Also called: MACULAR DEGENERATION, AGE-RELATED, 14, REDUCED RISK OF. Identifiers: MedGen C3809653, MONDO:0014207, OMIM 615489.

Allele frequency attached by ClinVar (database versions not stated): gnomAD exomes 0.00051 and 0.00178; ExAC 0.00183; 1000 Genomes Project 0.00319; 1000 Genomes Project 30x 0.00328; gnomAD 0.00435 and 0.00474; TOPMed 0.00502; ESP Exome Variant Server 0.00581.
gnomAD v4.1: 1,442 of 1,613,048 alleles (0.089%); highest among the groups gnomAD compares: African/African-American, 1.3%; 11 homozygotes.

Submissions (4):

Labcorp Genetics (formerly Invitae), Labcorp
Classification: Benign. Last evaluated: 2026-02-02. Review status: criteria provided, single submitter. Criteria: Invitae Variant Classification Sherloc (09022015). Collection method: clinical testing. Allele origin: germline.

CeGaT Center for Human Genetics Tuebingen
Classification: Benign. Last evaluated: 2024-10-01. Review status: criteria provided, single submitter. Criteria: CeGaT Center For Human Genetics Tuebingen Variant Classification Criteria Version 2. Collection method: clinical testing. Allele origin: germline. Affected: yes. Observed: 1 variant allele.
Comment: C2: BP4, BS1, BS2

Illumina Laboratory Services, Illumina
Classification: Uncertain significance for Complement component 2 deficiency. Last evaluated: 2018-01-13. Review status: criteria provided, single submitter. Criteria: ICSL Variant Classification Criteria 13 December 2019. Collection method: clinical testing. Allele origin: germline.

Illumina Laboratory Services, Illumina
Classification: Benign for Age related macular degeneration 14. Last evaluated: 2018-01-13. Review status: criteria provided, single submitter. Criteria: ICSL Variant Classification Criteria 13 December 2019. Collection method: clinical testing. Allele origin: germline.
Comment: This variant was observed in the ICSL laboratory as part of a predisposition screen in an ostensibly healthy population. It had not been previously curated by ICSL or reported in the Human Gene Mutation Database (HGMD: prior to June 1st, 2018), and was therefore a candidate for classification through an automated scoring system. Utilizing variant allele frequency, disease prevalence and penetrance estimates, and inheritance mode, an automated score was calculated to assess if this variant is too frequent to cause the disease. Based on the score and internal cut-off values, a variant classified as benign is not then subjected to further curation. The score for this variant resulted in a classification of benign for this disease.

NM_000063.6(C2):c.2200C>T (p.Arg734Cys)

Gene: C2 (complement C2; plus strand). Cytogenetic location: 6p21.33.
Variant type: single nucleotide variant.
Coding change: c.2200C>T on transcript NM_000063.6 (MANE Select); coding-DNA position 2200, C replaced by T.
Protein change: p.Arg734Cys; replaces arginine 734 with cysteine.
Molecular consequence: missense variant.
Genome position (GRCh38, 1-based): chr6:31,945,298, C>T. VCF-style: chr6-31945298-C-T. GRCh37 (hg19) VCF-style: chr6-31913075-C-T.
Other names: c.1804C>T, p.Arg602Cys (NM_001145903.3); c.1558C>T, p.Arg520Cys (NM_001178063.3); c.1462C>T, p.Arg488Cys (NM_001282457.2); c.2113C>T, p.Arg705Cys (NM_001282458.2); short protein forms R488C, R520C, R734C, R602C, R705C.
Identifiers: ClinVar variation 906027 (VCV000906027.26), dbSNP rs4151648, ClinGen allele CA3727909.
Genomic context (GRCh38, chr6:31,945,298, plus strand): 5'-CGCAAAAGGGCCCCTCGTAGCAAGGTCCCGCCGCCACGAGACTTTCACATCAATCTCTTC[C>T]GCATGCAGCCCTGGCTGAGGCAGCACCTGGGGGATGTCCTGAATTTTTTACCCCTCTAGC-3'
Protein context (NP_000054.2, residues 724-744): PPRDFHINLF[Arg734Cys]MQPWLRQHLG